The following is an entry in ClinVar:

ClinVar aggregate classification (germline): Pathogenic (1 of 4 stars; one submission).

Conditions:
Kleefstra syndrome 1 (KLEFS1). Identifiers: Orphanet 261494, MedGen C0795833, MONDO:0027407, OMIM 610253.

Submission:

HUSP Clinical Genetics Laboratory, Hospital Universitario San Pedro De Logroño (HUSP)
Classification: Pathogenic for Kleefstra syndrome 1. Review status: criteria provided, single submitter. Criteria: ACMG Guidelines, 2015. Collection method: clinical testing. Allele origin: de novo. Inheritance: Autosomal dominant inheritance. Affected: yes. Observed: 1 variant allele.
Comment: It results in a substitution of amino acid (p.Cys909Arg). This variant is not detected in general population and has not been reported in pathogenic data bases. In silico tools predict that this variant affects the function of the protein and label it as pathogenic. The classic form is associated with subtelomeric deletions but 25% of the cases are single nucleotide variants. Cognitive impairment is severe in the classic form, but mild to moderate cases have been reported. Other clinical features are diverse, including seizure, hypotonia and characteristic facies.

NM_024757.5(EHMT1):c.2725T>C (p.Cys909Arg)

Gene: EHMT1 (euchromatic histone lysine methyltransferase 1; plus strand). Cytogenetic location: 9q34.3.
Variant type: single nucleotide variant.
Coding change: c.2725T>C on transcript NM_024757.5 (MANE Select); coding-DNA position 2725, T replaced by C.
Protein change: p.Cys909Arg; replaces cysteine 909 with arginine.
Molecular consequence: missense variant.
Genome position (GRCh38, 1-based): chr9:137,811,473, T>C. VCF-style: chr9-137811473-T-C. GRCh37 (hg19) VCF-style: chr9-140705925-T-C.
Other names: c.2704T>C, p.Cys902Arg (NM_001354263.2); short protein forms C902R, C909R.
Identifiers: ClinVar variation 3237192 (VCV003237192.1), dbSNP rs2538620071.
Genomic context (GRCh38, chr9:137,811,473, plus strand): 5'-GTGAGCCAGCAGGAAGCCTGCACTGAGCTCTGGCTTGTGTCTGTTCAGGAGGAGAACATT[T>C]GCCTGCACTGGGCGGCGTTCTCCGGCTGCGTGGACATAGCCGAGATCCTGCTGGCTGCCA-3'
Protein context (NP_079033.4, residues 899-919): INIRDNEENI[Cys909Arg]LHWAAFSGCV